The following is an entry in ClinVar:

NM_003114.5(SPAG1):c.1096+5A>C

Gene: SPAG1 (sperm associated antigen 1; plus strand). Cytogenetic location: 8q22.2.
Variant type: single nucleotide variant.
Coding change: c.1096+5A>C on transcript NM_003114.5 (MANE Select); 5 bases into the intron after coding-DNA position 1096, A replaced by C.
Molecular consequence: intron variant.
Genome position (GRCh38, 1-based): chr8:100,194,273, A>C. VCF-style: chr8-100194273-A-C. GRCh37 (hg19) VCF-style: chr8-101206501-A-C.
Other names: c.1096+5A>C (NM_001374321.1, NM_172218.3).
Identifiers: ClinVar variation 1430524 (VCV001430524.5), dbSNP rs768916975, ClinGen allele CA4827439.

ClinVar aggregate classification (germline): Uncertain significance (1 of 4 stars; one submission).

Conditions:
Primary ciliary dyskinesia 28. Also called: CILIARY DYSKINESIA, PRIMARY, 28, WITH OR WITHOUT SITUS INVERSUS. Identifiers: Orphanet 244, MedGen C3809706, MONDO:0014216, OMIM 615505.

Allele frequency attached by ClinVar (database versions not stated): ExAC 0.00001; gnomAD exomes 0.00001 and 0.00004; TOPMed 0.00001.
gnomAD v4.1: 19 of 1,607,318 alleles (0.0012%); highest among the groups gnomAD compares: Admixed American, 0.023%; no homozygotes.

Submission:

Labcorp Genetics (formerly Invitae), Labcorp
Classification: Uncertain significance for Primary ciliary dyskinesia 28. Last evaluated: 2024-12-06. Review status: criteria provided, single submitter. Criteria: Invitae Variant Classification Sherloc (09022015). Collection method: clinical testing. Allele origin: germline.
Comment: This sequence change falls in intron 10 of the SPAG1 gene. It does not directly change the encoded amino acid sequence of the SPAG1 protein. It affects a nucleotide within the consensus splice site. This variant is present in population databases (rs768916975, gnomAD 0.02%). This variant has not been reported in the literature in individuals affected with SPAG1-related conditions. ClinVar contains an entry for this variant (Variation ID: 1430524). Variants that disrupt the consensus splice site are a relatively common cause of aberrant splicing (PMID: 17576681, 9536098). Algorithms developed to predict the effect of sequence changes on RNA splicing suggest that this variant is not likely to affect RNA splicing. In summary, the available evidence is currently insufficient to determine the role of this variant in disease. Therefore, it has been classified as a Variant of Uncertain Significance.

Literature cited by the submitters: PubMed 17576681; PubMed 9536098.